The following is an entry in ClinVar:

ClinVar aggregate classification (germline): Uncertain significance (1 of 4 stars; one submission).

Allele frequency attached by ClinVar (database versions not stated): ExAC 0.00001.

Submission:

Labcorp Genetics (formerly Invitae), Labcorp
Classification: Uncertain significance. Last evaluated: 2023-12-28. Review status: criteria provided, single submitter. Criteria: Invitae Variant Classification Sherloc (09022015). Collection method: clinical testing. Allele origin: germline.
Comment: This sequence change affects codon 90 of the KLHL9 mRNA. It is a 'silent' change, meaning that it does not change the encoded amino acid sequence of the KLHL9 protein. This variant is present in population databases (rs756094882, gnomAD 0.0009%). This variant has not been reported in the literature in individuals affected with KLHL9-related conditions. In summary, the available evidence is currently insufficient to determine the role of this variant in disease. Therefore, it has been classified as a Variant of Uncertain Significance.

NM_018847.4(KLHL9):c.268T>C (p.Leu90=)

Gene: KLHL9 (kelch like family member 9; minus strand). Cytogenetic location: 9p21.3.
Variant type: single nucleotide variant.
Coding change: c.268T>C on transcript NM_018847.4 (MANE Select); coding-DNA position 268, T replaced by C.
Protein change: p.Leu90=; no amino-acid change (leucine 90 retained).
Molecular consequence: synonymous variant.
Genome position (GRCh38, 1-based): chr9:21,334,592, A>G on the plus strand (T>C on the coding strand, the complement: KLHL9 is on the minus strand). VCF-style: chr9-21334592-A-G. GRCh37 (hg19) VCF-style: chr9-21334591-A-G.
Identifiers: ClinVar variation 2983858 (VCV002983858.3), dbSNP rs756094882, ClinGen allele CA5010679.